The following is an entry in ClinVar:

NM_001378120.1(MBD5):c.2770A>G (p.Ile924Val)

Gene: MBD5 (methyl-CpG binding domain protein 5; plus strand). Cytogenetic location: 2q23.1.
Variant type: single nucleotide variant.
Coding change: c.2770A>G on transcript NM_001378120.1 (MANE Select); coding-DNA position 2770, A replaced by G.
Protein change: p.Ile924Val; replaces isoleucine 924 with valine.
Molecular consequence: missense variant.
Genome position (GRCh38, 1-based): chr2:148,483,361, A>G. VCF-style: chr2-148483361-A-G. GRCh37 (hg19) VCF-style: chr2-149240930-A-G.
Other names: c.2770A>G, p.Ile924Val (NM_018328.5); short protein forms I924V.
Identifiers: ClinVar variation 1026367 (VCV001026367.9), dbSNP rs150408488, ClinGen allele CA1900214.
Genomic context (GRCh38, chr2:148,483,361, plus strand): 5'-AGCACTTCAAACAACCATCTTCCACACCCCTTGAACCCCAGCCTCCTCAGTTCTCTACCT[A>G]TCTCTTTGCCAGTGAATCAACAGCATCTCCTAAACCAGAATCTATTAAATATCCTCCAGC-3'
Protein context (NP_001365049.1, residues 914-934): LNPSLLSSLP[Ile924Val]SLPVNQQHLL

ClinVar aggregate classification (germline): Uncertain significance (1 of 4 stars; one submission).

Conditions:
Intellectual developmental disorder, autosomal dominant 1. Also called: Intellectual disability, autosomal dominant 1; MBD5 Haploinsufficiency. Identifiers: Orphanet 228402, MedGen C1969562, MONDO:0007974, OMIM 156200.

Allele frequency attached by ClinVar (database versions not stated): ExAC 0.00002; gnomAD exomes below 0.00001 and 0.00002; gnomAD 0.00002 and 0.00003; ESP Exome Variant Server 0.00008; 1000 Genomes Project 30x 0.00016; TOPMed 0.00003; 1000 Genomes Project 0.00020.
gnomAD v4.1: 8 of 1,614,004 alleles (0.0005%); highest among the groups gnomAD compares: African/African-American, 0.0093%; no homozygotes.

Submission:

Labcorp Genetics (formerly Invitae), Labcorp
Classification: Uncertain significance for Intellectual developmental disorder, autosomal dominant 1. Last evaluated: 2025-11-21. Review status: criteria provided, single submitter. Criteria: Invitae Variant Classification Sherloc (09022015). Collection method: clinical testing. Allele origin: germline.
Comment: This sequence change replaces isoleucine, which is neutral and non-polar, with valine, which is neutral and non-polar, at codon 924 of the MBD5 protein (p.Ile924Val). This variant is present in population databases (rs150408488, gnomAD 0.02%). This variant has not been reported in the literature in individuals affected with MBD5-related conditions. ClinVar contains an entry for this variant (Variation ID: 1026367). Invitae Evidence Modeling of protein sequence and biophysical properties (such as structural, functional, and spatial information, amino acid conservation, physicochemical variation, residue mobility, and thermodynamic stability) indicates that this missense variant is not expected to disrupt MBD5 protein function with a negative predictive value of 80%. In summary, the available evidence is currently insufficient to determine the role of this variant in disease. Therefore, it has been classified as a Variant of Uncertain Significance.